The following is an entry in ClinVar:

ClinVar aggregate classification (germline): Conflicting classifications of pathogenicity. Review status: criteria provided, conflicting classifications (1 of 4 stars). 6 submissions from 6 submitters: Uncertain significance (5); Likely benign (1). Last evaluated 2026-03-25.

Conditions:
Epidermolysis bullosa simplex, Ogna type (EBS5A). Also called: Pidermolysis bullosa simplex 5A, Ogna type; EPIDERMOLYSIS BULLOSA SIMPLEX 5A, OGNA TYPE. Identifiers: Orphanet 79401, MedGen C0432317, MONDO:0007555, OMIM 131950.
Epidermolysis bullosa simplex with nail dystrophy (EBS5D). Identifiers: MedGen C4225309, MONDO:0014661, OMIM 616487.
Autosomal recessive limb-girdle muscular dystrophy type 2Q (LGMDR17). Also called: MUSCULAR DYSTROPHY, LIMB-GIRDLE, AUTOSOMAL RECESSIVE 17. Identifiers: Orphanet 254361, MedGen C3150989, MONDO:0013390, OMIM 613723.
Epidermolysis bullosa simplex 5C, with pyloric atresia (EBS5C). Also called: Epidermolysis bullosa simplex with pyloric atresia; PLEC1-Related Epidermolysis Bullosa with Pyloric Atresia; PLEC-Related Epidermolysis Bullosa with Pyloric Atresia. Identifiers: Orphanet 158684, MedGen C2677349, MONDO:0012807, OMIM 612138.
Epidermolysis bullosa simplex 5B, with muscular dystrophy (EBS5B). Also called: Epidermolysis bullosa simplex with muscular dystrophy; EPIDERMOLYSIS BULLOSA SIMPLEX AND LIMB-GIRDLE MUSCULAR DYSTROPHY. Identifiers: Orphanet 257, MedGen C2931072, MONDO:0009181, OMIM 226670.
PLEC-related disorder. Also called: PLEC-related disorders; PLEC-related condition.

Allele frequency attached by ClinVar (database versions not stated): gnomAD 0.00006 and 0.00007; ExAC 0.00007; gnomAD exomes 0.00007 and 0.00014; TOPMed 0.00007.
gnomAD v4.1: 200 of 1,547,636 alleles (0.013%); highest among the groups gnomAD compares: Non-Finnish European, 0.016%; no homozygotes.

Submissions (6):

PreventionGenetics, part of Exact Sciences
Classification: Uncertain significance for PLEC-related condition. Last evaluated: 2026-03-25. Review status: criteria provided, single submitter. Criteria: ACMG Guidelines, 2015. Collection method: clinical testing. Allele origin: germline.
Comment: The PLEC c.5412G>C variant is predicted to result in the amino acid substitution p.Glu1804Asp. To our knowledge, this variant has not been reported in the literature. This variant is reported in 0.014% of alleles in individuals of European (Non-Finnish) descent in gnomAD. At this time, the clinical significance of this variant is uncertain due to the absence of conclusive functional and genetic evidence.

Labcorp Genetics (formerly Invitae), Labcorp
Classification: Uncertain significance for Autosomal recessive limb-girdle muscular dystrophy type 2Q; Epidermolysis bullosa simplex, Ogna type; Epidermolysis bullosa simplex with nail dystrophy; Epidermolysis bullosa simplex 5C, with pyloric atresia; Epidermolysis bullosa simplex 5B, with muscular dystrophy. Last evaluated: 2025-05-01. Review status: criteria provided, single submitter. Criteria: Invitae Variant Classification Sherloc (09022015). Collection method: clinical testing. Allele origin: germline.
Comment: This sequence change replaces glutamic acid, which is acidic and polar, with aspartic acid, which is acidic and polar, at codon 1804 of the PLEC protein (p.Glu1804Asp). This variant is present in population databases (rs774270631, gnomAD 0.01%). This variant has not been reported in the literature in individuals affected with PLEC-related conditions. ClinVar contains an entry for this variant (Variation ID: 281991). Experimental studies and prediction algorithms are not available or were not evaluated, and the functional significance of this variant is currently unknown. In summary, the available evidence is currently insufficient to determine the role of this variant in disease. Therefore, it has been classified as a Variant of Uncertain Significance.

Revvity Omics, Revvity
Classification: Uncertain significance. Last evaluated: 2020-07-01. Review status: criteria provided, single submitter. Criteria: ACMG Guidelines, 2015. Collection method: clinical testing. Allele origin: germline.

GeneDx
Classification: Likely benign. Last evaluated: 2019-11-08. Review status: criteria provided, single submitter. Criteria: GeneDx Variant Classification Process June 2021. Collection method: clinical testing. Allele origin: germline. Affected: yes.
Comment: This variant is associated with the following publications: (PMID: 29050564)

CeGaT Center for Human Genetics Tuebingen
Classification: Uncertain significance. Last evaluated: 2016-05-01. Review status: criteria provided, single submitter. Criteria: CeGaT Center For Human Genetics Tuebingen Variant Classification Criteria Version 2. Collection method: clinical testing. Allele origin: germline. Affected: yes. Observed: 1 variant allele.

Eurofins Ntd Llc (ga)
Classification: Uncertain significance. Last evaluated: 2015-07-16. Review status: criteria provided, single submitter. Criteria: EGL Classification Definitions 2015. Collection method: clinical testing. Allele origin: germline. Observed: 2 variant alleles, 2 heterozygotes.

NM_201384.3(PLEC):c.5331G>C (p.Glu1777Asp)

Gene: PLEC (plectin; minus strand). Cytogenetic location: 8q24.3.
Variant type: single nucleotide variant.
Coding change: c.5331G>C on transcript NM_201384.3 (MANE Select); coding-DNA position 5331, G replaced by C.
Protein change: p.Glu1777Asp; replaces glutamic acid 1777 with aspartic acid.
Molecular consequence: missense variant.
Genome position (GRCh38, 1-based): chr8:143,924,598, C>G on the plus strand (G>C on the coding strand, the complement: PLEC is on the minus strand). VCF-style: chr8-143924598-C-G. GRCh37 (hg19) VCF-style: chr8-144998766-C-G.
Other names: c.5412G>C, p.Glu1804Asp (NM_000445.5); c.5289G>C, p.Glu1763Asp (NM_201378.4); c.5265G>C, p.Glu1755Asp (NM_201379.3); c.5742G>C, p.Glu1914Asp (NM_201380.4); c.5235G>C, p.Glu1745Asp (NM_201381.3); c.5331G>C, p.Glu1777Asp (NM_201382.4); c.5343G>C, p.Glu1781Asp (NM_201383.3); short protein forms E1745D, E1763D, E1781D, E1777D, E1914D, E1755D, E1804D.
Identifiers: ClinVar variation 281991 (VCV000281991.60), dbSNP rs774270631, ClinGen allele CA4926389.
Genomic context (GRCh38, chr8:143,924,598, plus strand): 5'-GCGGAACCGGCCGGCCTCGGCCTCCAGCCTCTGCTTGGACTTCTCGCTGGTGGAGCGCGA[C>G]TCCTCCTCAGCCCTCGCCTTGCTGGCCAGCAGCACCTCCATCTCGGCCCGCACCTTGGCC-3'
Protein context (NP_958786.1, residues 1767-1787): LLASKARAEE[Glu1777Asp]SRSTSEKSKQ